The following is an entry in ClinVar:

NM_023936.2(MRPS34):c.11A>G (p.Lys4Arg)

Genes: EME2 (essential meiotic structure-specific endonuclease subunit 2; plus strand), MRPS34 (mitochondrial ribosomal protein S34; minus strand), LOC130058184 (ATAC-STARR-seq lymphoblastoid active region 10237; plus strand). Cytogenetic location: 16p13.3.
Variant type: single nucleotide variant.
Coding change: c.11A>G on transcript NM_023936.2 (MANE Select); coding-DNA position 11, A replaced by G.
Protein change: p.Lys4Arg; replaces lysine 4 with arginine.
Molecular consequence: missense variant. On other transcripts: 5 prime UTR variant (1).
Genome position (GRCh38, 1-based): chr16:1,773,109, T>C on the plus strand (A>G on the coding strand, the complement: MRPS34 is on the minus strand). VCF-style: chr16-1773109-T-C. GRCh37 (hg19) VCF-style: chr16-1823110-T-C.
Other names: c.-119T>C (NM_001257370.2); c.11A>G, p.Lys4Arg (NM_001300900.2); short protein forms K4R.
Identifiers: ClinVar variation 2166227 (VCV002166227.4), dbSNP rs778248787, ClinGen allele CA7818450.
Genomic context (GRCh38, chr16:1,773,109, plus strand): 5'-TGCTCCCGCAGGGCGCGCACGCGGCGGGCCAGCTCCGCGATCAGCCGCGGACGCACCTTC[T>C]TCCGCGCCATGGCGGGTCCGCGTCCTCAGCGGTCCGGCCGGAAGTCACCGGAAGAGGCCG-3'
Protein context (NP_076425.1, residues 1-14): MAR[Lys4Arg]KVRPRLIAEL

ClinVar aggregate classification (germline): Uncertain significance (1 of 4 stars; one submission).

gnomAD v4.1: 12 of 1,397,256 alleles (0.00086%); highest among the groups gnomAD compares: South Asian, 0.0016%; no homozygotes.

Submission:

Labcorp Genetics (formerly Invitae), Labcorp
Classification: Uncertain significance. Last evaluated: 2022-10-25. Review status: criteria provided, single submitter. Criteria: Invitae Variant Classification Sherloc (09022015). Collection method: clinical testing. Allele origin: germline.
Comment: This sequence change replaces lysine, which is basic and polar, with arginine, which is basic and polar, at codon 4 of the MRPS34 protein (p.Lys4Arg). This variant is not present in population databases (gnomAD no frequency). This variant has not been reported in the literature in individuals affected with MRPS34-related conditions. Algorithms developed to predict the effect of missense changes on protein structure and function output the following: SIFT: "Tolerated"; PolyPhen-2: "Benign"; Align-GVGD: "Class C0". The arginine amino acid residue is found in multiple mammalian species, which suggests that this missense change does not adversely affect protein function. In summary, the available evidence is currently insufficient to determine the role of this variant in disease. Therefore, it has been classified as a Variant of Uncertain Significance.